The following is an entry in ClinVar:

NM_024685.4(BBS10):c.1092C>T (p.Asn364=)

Gene: BBS10 (Bardet-Biedl syndrome 10; minus strand). Cytogenetic location: 12q21.2.
Variant type: single nucleotide variant.
Coding change: c.1092C>T on transcript NM_024685.4 (MANE Select); coding-DNA position 1092, C replaced by T.
Protein change: p.Asn364=; no amino-acid change (asparagine 364 retained).
Molecular consequence: synonymous variant.
Genome position (GRCh38, 1-based): chr12:76,346,893, G>A on the plus strand (C>T on the coding strand, the complement: BBS10 is on the minus strand). VCF-style: chr12-76346893-G-A. GRCh37 (hg19) VCF-style: chr12-76740673-G-A.
Other names: c.1092C>T (NM_024685.3).
Identifiers: ClinVar variation 1079348 (VCV001079348.11), dbSNP rs1951763479, ClinGen allele CA481011343.

ClinVar aggregate classification (germline): Likely benign. Review status: criteria provided, multiple submitters, no conflicts (2 of 4 stars). 3 submissions from 3 submitters: Likely benign (2). 1 of the submissions does not count toward it. Last evaluated 2026-04-20.

Conditions:
BBS10-related disorder. Also called: BBS10-related condition.
Bardet-Biedl syndrome 10 (BBS10). Identifiers: Orphanet 110, MedGen C1859568, MONDO:0014438, OMIM 615987.
Bardet-Biedl syndrome (BBS). Identifiers: Orphanet 110, MedGen C0752166, MONDO:0015229.

Allele frequency attached by ClinVar (database versions not stated): gnomAD exomes 0.00003.
gnomAD v4.1: 37 of 1,613,332 alleles (0.0023%); highest among the groups gnomAD compares: Non-Finnish European, 0.0031%; no homozygotes.

Submissions (3):

PreventionGenetics, part of Exact Sciences
Classification: Likely benign for BBS10-related condition. Last evaluated: 2026-04-20. Review status: criteria provided, single submitter. Criteria: ACMG Guidelines, 2015. Collection method: clinical testing. Allele origin: germline.
Comment: This variant is classified as likely benign based on ACMG/AMP sequence variant interpretation guidelines (Richards et al. 2015 PMID: 25741868, with internal and published modifications).

Labcorp Genetics (formerly Invitae), Labcorp
Classification: Likely benign for Bardet-Biedl syndrome. Last evaluated: 2024-10-17. Review status: criteria provided, single submitter. Criteria: Invitae Variant Classification Sherloc (09022015). Collection method: clinical testing. Allele origin: germline.

Natera, Inc.
Classification: Likely benign for Bardet-Biedl syndrome type 10. Last evaluated: 2021-08-16. Review status: no assertion criteria provided. Collection method: clinical testing. Allele origin: germline. Not counted in ClinVar's aggregate classification.